The following is an entry in ClinVar:

NM_014141.6(CNTNAP2):c.194T>A (p.Ile65Lys)

Gene: CNTNAP2 (contactin associated protein 2; plus strand). Cytogenetic location: 7q35.
Variant type: single nucleotide variant.
Coding change: c.194T>A on transcript NM_014141.6 (MANE Select); coding-DNA position 194, T replaced by A.
Protein change: p.Ile65Lys; replaces isoleucine 65 with lysine.
Molecular consequence: missense variant.
Genome position (GRCh38, 1-based): chr7:146,774,367, T>A. VCF-style: chr7-146774367-T-A. GRCh37 (hg19) VCF-style: chr7-146471459-T-A.
Other names: short protein forms I65K.
Identifiers: ClinVar variation 940095 (VCV000940095.8), dbSNP rs1245424156, ClinGen allele CA369922414.

ClinVar aggregate classification (germline): Uncertain significance (1 of 4 stars; one submission).

Conditions:
Cortical dysplasia-focal epilepsy syndrome (PTHSL1). Also called: Pitt-Hopkins-like syndrome 1. Identifiers: Orphanet 163681, Orphanet 221150, MedGen C2750246, MONDO:0012400, OMIM 610042.

Allele frequency attached by ClinVar (database versions not stated): TOPMed 0.00002; gnomAD 0.00003.
gnomAD v4.1: 6 of 1,613,682 alleles (0.00037%); highest among the groups gnomAD compares: African/African-American, 0.0013%; no homozygotes.

Submission:

Labcorp Genetics (formerly Invitae), Labcorp
Classification: Uncertain significance for Cortical dysplasia-focal epilepsy syndrome. Last evaluated: 2019-09-15. Review status: criteria provided, single submitter. Criteria: Invitae Variant Classification Sherloc (09022015). Collection method: clinical testing. Allele origin: germline.
Comment: In summary, the available evidence is currently insufficient to determine the role of this variant in disease. Therefore, it has been classified as a Variant of Uncertain Significance. Algorithms developed to predict the effect of missense changes on protein structure and function are either unavailable or do not agree on the potential impact of this missense change (SIFT: "Deleterious"; PolyPhen-2: "Benign"; Align-GVGD: "Class C0"). This variant has not been reported in the literature in individuals with CNTNAP2-related conditions. This variant is not present in population databases (ExAC no frequency). This sequence change replaces isoleucine with lysine at codon 65 of the CNTNAP2 protein (p.Ile65Lys). The isoleucine residue is weakly conserved and there is a moderate physicochemical difference between isoleucine and lysine.